The following is an entry in ClinVar:

NM_181523.3(PIK3R1):c.1319A>G (p.Asp440Gly)

Gene: PIK3R1 (phosphoinositide-3-kinase regulatory subunit 1; plus strand). Cytogenetic location: 5q13.1.
Variant type: single nucleotide variant.
Coding change: c.1319A>G on transcript NM_181523.3 (MANE Select); coding-DNA position 1319, A replaced by G.
Protein change: p.Asp440Gly; replaces aspartic acid 440 with glycine.
Molecular consequence: missense variant.
Genome position (GRCh38, 1-based): chr5:68,293,728, A>G. VCF-style: chr5-68293728-A-G. GRCh37 (hg19) VCF-style: chr5-67589556-A-G.
Other names: NM_181523.3(PIK3R1):c.1319A>G; p.Asp440Gly; c.230A>G, p.Asp77Gly (NM_001242466.2); c.509A>G, p.Asp170Gly (NM_181504.4); c.419A>G, p.Asp140Gly (NM_181524.2); short protein forms D440G, D140G, D170G, D77G.
Identifiers: ClinVar variation 2011638 (VCV002011638.5), dbSNP rs3730091, ClinGen allele CA359880112.

ClinVar aggregate classification (germline): Uncertain significance. Review status: reviewed by expert panel (3 of 4 stars). 2 submissions from 2 submitters: Uncertain significance (1). 1 of the submissions does not count toward it. Last evaluated 2026-05-19.

Conditions:
PIK3R1-related immunodeficiency and SHORT syndrome. Identifiers: MedGen CN379774, MONDO:1060136.
Immunodeficiency 36 with lymphoproliferation. Also called: Immunodeficiency 36; ACTIVATED PI3K-DELTA SYNDROME 2; Activated PI3K Delta Syndrome Type 2 (APDS2). Identifiers: Orphanet 397596, Orphanet 693681, MedGen C4014934, MONDO:0014453, OMIM 616005.
SHORT syndrome. Also called: PIK3R1-Related SHORT Syndrome; SHORT STATURE, HYPEREXTENSIBILITY, HERNIA, OCULAR DEPRESSION, RIEGER ANOMALY, AND TEETHING DELAY; LIPODYSTROPHY, PARTIAL, WITH RIEGER ANOMALY AND SHORT STATURE. Identifiers: Orphanet 3163, MedGen C0878684, MONDO:0010026, OMIM 269880.
Agammaglobulinemia 7, autosomal recessive (AGM7). Also called: AGAMMAGLOBULINEMIA, AUTOSOMAL RECESSIVE, DUE TO PIK3R1 DEFECT. Identifiers: MedGen C3554689, MONDO:0014083, OMIM 615214.

Allele frequency attached by ClinVar (database versions not stated): TOPMed below 0.00001.

Submissions (2):

ClinGen Primary Immune Regulatory Disorders Variant Curation Expert Panel, ClinGen
Classification: Uncertain significance for PIK3R1-related immunodeficiency and SHORT syndrome. Last evaluated: 2026-05-19. Review status: reviewed by expert panel. Criteria: ClinGen AbDef ACMG Specifications PIK3R1 V1.0.0. Collection method: curation. Allele origin: germline. Inheritance: Autosomal dominant inheritance.
Comment: NM_181523.3(PIK3R1):c.1319A>G (p.Asp440Gly) is a missense variant causing substitution of aspartic acid by glycine at amino acid 440. This variant is absent from gnomAD v4.1.0 (PM2_Supporting). The computational predictor REVEL gives a score of 0.566, which is below the ClinGen Antibody Deficiencies VCEP threshold of >0.644 and does not predict a damaging effect on PIK3R1 function. The computational predictor CADD gives a PHRED score of 29.4, which is above the ClinGen Antibody Deficiencies VCEP threshold of >26.0 and predicts a deleterious effect on PIK3R1 function. Because the two predictors do not agree on a damaging effect, PP3 is not met. The splicing impact predictor SpliceAI gives a score of 0.01 for donor gain, which is below the ClinGen Antibody Deficiencies VCEP recommended threshold of <0.1 and does not predict an impact on splicing. A proliferation assay showed that this variant did not promote growth-factor–independent proliferation when endogenously expressed in MCF-10A cells, matching wild-type PIK3R1 function and indicating that the variant does not impact PIK3R1 function (PMID: 29636477). However, this is not an approved functional assay for PIK3R1-related immunodeficiency and SHORT syndrome, so BS3_Supporting is not met. No cases of the variant segregating in PIK3R1-related immunodeficiency and SHORT syndrome were found in the literature. In summary, this variant meets the criteria to be classified as a variant of uncertain significance for autosomal dominant PIK3R1-related immunodeficiency and SHORT syndrome based on the ACMG/AMP criteria applied, as specified by the ClinGen Antibody Deficiencies VCEP: PM2_Supporting. (VCEP specifications version 1.0.0; date of approval 04/29/2026).

Labcorp Genetics (formerly Invitae), Labcorp
Classification: Uncertain significance for SHORT syndrome; Immunodeficiency 36 with lymphoproliferation; Agammaglobulinemia 7, autosomal recessive. Last evaluated: 2022-07-29. Review status: criteria provided, single submitter. Criteria: Invitae Variant Classification Sherloc (09022015). Collection method: clinical testing. Allele origin: germline. Not counted in ClinVar's aggregate classification.
Comment: In summary, the available evidence is currently insufficient to determine the role of this variant in disease. Therefore, it has been classified as a Variant of Uncertain Significance. This variant is not present in population databases (gnomAD no frequency). This variant has not been reported in the literature in individuals affected with PIK3R1-related conditions. Algorithms developed to predict the effect of missense changes on protein structure and function (SIFT, PolyPhen-2, Align-GVGD) all suggest that this variant is likely to be tolerated. Experimental studies have shown that this missense change does not substantially affect PIK3R1 function (PMID: 29636477). This sequence change replaces aspartic acid, which is acidic and polar, with glycine, which is neutral and non-polar, at codon 440 of the PIK3R1 protein (p.Asp440Gly).

Literature cited by the submitters: PubMed 29636477 (cited by Labcorp Genetics (formerly Invitae), Labcorp).